The following is an entry in ClinVar:

ClinVar aggregate classification (germline): Likely benign (1 of 4 stars; one submission).

Allele frequency attached by ClinVar (database versions not stated): ESP Exome Variant Server 0.00069; gnomAD 0.00072; TOPMed 0.00075; 1000 Genomes Project 30x 0.00078; 1000 Genomes Project 0.00080; ExAC 0.00092.
gnomAD v4.1: 1,211 of 1,612,656 alleles (0.075%); highest among the groups gnomAD compares: Middle Eastern, 0.64%; 8 homozygotes.

Submission:

CeGaT Center for Human Genetics Tuebingen
Classification: Likely benign. Last evaluated: 2022-08-01. Review status: criteria provided, single submitter. Criteria: CeGaT Center For Human Genetics Tuebingen Variant Classification Criteria Version 2. Collection method: clinical testing. Allele origin: germline. Affected: yes. Observed: 1 variant allele.
Comment: TDRD6: BP4, BP7

NM_001010870.3(TDRD6):c.4878G>A (p.Ser1626=)

Gene: TDRD6 (tudor domain containing 6; plus strand). Cytogenetic location: 6p12.3.
Variant type: single nucleotide variant.
Coding change: c.4878G>A on transcript NM_001010870.3 (MANE Select); coding-DNA position 4878, G replaced by A.
Protein change: p.Ser1626=; no amino-acid change (serine 1626 retained).
Molecular consequence: synonymous variant.
Genome position (GRCh38, 1-based): chr6:46,693,006, G>A. VCF-style: chr6-46693006-G-A. GRCh37 (hg19) VCF-style: chr6-46660743-G-A.
Other names: c.4878G>A, p.Ser1626= (NM_001168359.2).
Identifiers: ClinVar variation 2656630 (VCV002656630.24), dbSNP rs13217986, ClinGen allele CA3839686.